The following is an entry in ClinVar:

NM_000535.7(PMS2):c.354-7C>G

Gene: PMS2 (PMS1 homolog 2, mismatch repair system component; minus strand). Cytogenetic location: 7p22.1.
Variant type: single nucleotide variant.
Coding change: c.354-7C>G on transcript NM_000535.7 (MANE Select); 7 bases into the intron before coding-DNA position 354, C replaced by G.
Molecular consequence: intron variant. On other transcripts: missense variant (1).
Genome position (GRCh38, 1-based): chr7:6,002,643, G>C on the plus strand (C>G on the coding strand, the complement: PMS2 is on the minus strand). VCF-style: chr7-6002643-G-C. GRCh37 (hg19) VCF-style: chr7-6042274-G-C.
Other names: c.38C>G, p.Ser13Cys (NM_001322015.2); c.36-7C>G (NM_001322008.2, NM_001322007.2); c.-52-7C>G (NM_001322010.2, NM_001322004.2, NM_001322013.2 and 3 more transcripts); c.-531-7C>G (NM_001322012.2, NM_001322011.2); c.354-7C>G (NM_001322006.2, NM_001322014.2); c.38C>G (NM_001322015.1); short protein forms S13C.
Identifiers: ClinVar variation 851579 (VCV000851579.11), dbSNP rs758471869, ClinGen allele CA916080371.

ClinVar aggregate classification (germline): Uncertain significance. Review status: criteria provided, single submitter (1 of 4 stars). 2 submissions from 2 submitters: Uncertain significance (1). 1 of the submissions does not count toward it. Last evaluated 2019-02-12.

Conditions:
Hereditary nonpolyposis colorectal neoplasms. Identifiers: MedGen C0009405, MeSH D003123.
PMS2-related disorder. Also called: PMS2-related condition.

gnomAD v4.1: 2 of 1,608,710 alleles (0.00012%); highest among the groups gnomAD compares: South Asian, 0.0022%; no homozygotes.

Submissions (2):

Labcorp Genetics (formerly Invitae), Labcorp
Classification: Uncertain significance for Hereditary nonpolyposis colorectal neoplasms. Last evaluated: 2019-02-12. Review status: criteria provided, single submitter. Criteria: Invitae Variant Classification Sherloc (09022015). Collection method: clinical testing. Allele origin: germline.
Comment: This sequence change falls in intron 4 of the PMS2 gene. It does not directly change the encoded amino acid sequence of the PMS2 protein. This variant is not present in population databases (ExAC no frequency). In summary, the available evidence is currently insufficient to determine the role of this variant in disease. Therefore, it has been classified as a Variant of Uncertain Significance. Algorithms developed to predict the effect of sequence changes on RNA splicing suggest that this variant may disrupt the consensus splice site, but this prediction has not been confirmed by published transcriptional studies. This variant has not been reported in the literature in individuals with PMS2-related conditions.

PreventionGenetics, part of Exact Sciences
Classification: Uncertain significance for PMS2-related condition. Last evaluated: 2023-12-21. Review status: no assertion criteria provided. Collection method: clinical testing. Allele origin: germline. Not counted in ClinVar's aggregate classification.
Comment: The PMS2 c.38C>G variant is predicted to result in the amino acid substitution p.Ser13Cys. In the canonical transcript (NM_000535.6), this variant is intronic (c.354-7C>G), but not predicted to significantly impact splicing (SpliceAI, Jaganathan et al. 2019. PubMed ID: 30661751). To our knowledge, this variant has not been reported in the literature or in a large population database, indicating this variant is rare. This variant has been interpreted as uncertain in ClinVar. At this time, the clinical significance of this variant is uncertain due to the absence of conclusive functional and genetic evidence.